The following is an entry in ClinVar:

ClinVar aggregate classification (germline): Likely pathogenic. Review status: criteria provided, multiple submitters, no conflicts (2 of 4 stars). 2 submissions from 2 submitters: Likely pathogenic (2). Last evaluated 2024-02-28.

Conditions:
Merosin deficient congenital muscular dystrophy (MDC1A). Also called: Congenital Muscular Dystrophy Type 1A (MDC1A); Congenital merosin-deficient muscular dystrophy 1A. Identifiers: Orphanet 258, MedGen C1263858, MONDO:0011925, OMIM 607855.
Muscular dystrophy, limb-girdle, autosomal recessive 23. Identifiers: Orphanet 565837, MedGen C4748327, MONDO:0029136, OMIM 618138.
LAMA2-related muscular dystrophy (LAMA2-RD). Also called: Laminin alpha 2-related dystrophy. Identifiers: MedGen C5679788, MONDO:0100228.

Submissions (2):

Fulgent Genetics
Classification: Likely pathogenic for Merosin deficient congenital muscular dystrophy; Muscular dystrophy, limb-girdle, autosomal recessive 23. Last evaluated: 2024-02-28. Review status: criteria provided, single submitter. Criteria: ACMG Guidelines, 2015. Collection method: clinical testing. Allele origin: germline.

Labcorp Genetics (formerly Invitae), Labcorp
Classification: Likely pathogenic for LAMA2-related muscular dystrophy. Last evaluated: 2017-09-27. Review status: criteria provided, single submitter. Criteria: Invitae Variant Classification Sherloc (09022015). Collection method: clinical testing. Allele origin: germline.
Comment: Donor and acceptor splice site variants typically lead to a loss of protein function (PMID: 16199547), and loss-of-function variants in LAMA2 are known to be pathogenic (PMID: 18700894). This variant has not been reported in the literature in individuals with LAMA2-related disease. This variant is not present in population databases (ExAC no frequency). This sequence change affects an acceptor splice site in intron 7 of the LAMA2 gene. It is expected to disrupt RNA splicing and likely results in an absent or disrupted protein product. In summary, the currently available evidence indicates that the variant is pathogenic, but additional data are needed to prove that conclusively. Therefore, this variant has been classified as Likely Pathogenic.

Literature cited by the submitters: PubMed 16199547 (cited by Labcorp Genetics (formerly Invitae), Labcorp); PubMed 18700894 (cited by Labcorp Genetics (formerly Invitae), Labcorp).

NM_000426.4(LAMA2):c.1028-1G>A

Gene: LAMA2 (laminin subunit alpha 2; plus strand). Cytogenetic location: 6q22.33.
Variant type: single nucleotide variant.
Coding change: c.1028-1G>A on transcript NM_000426.4 (MANE Select); the canonical splice acceptor site of the intron before coding-DNA position 1028, G replaced by A.
Molecular consequence: splice acceptor variant.
Genome position (GRCh38, 1-based): chr6:129,154,504, G>A. VCF-style: chr6-129154504-G-A. GRCh37 (hg19) VCF-style: chr6-129475649-G-A.
Other names: c.1028-1G>A (NM_001079823.2).
Identifiers: ClinVar variation 565592 (VCV000565592.8), dbSNP rs1562281922, ClinGen allele CA365606750.